The following is an entry in ClinVar:

ClinVar aggregate classification (germline): Uncertain significance (1 of 4 stars; one submission).

Submission:

GeneDx
Classification: Uncertain significance. Last evaluated: 2025-07-18. Review status: criteria provided, single submitter. Criteria: GeneDx Variant Classification Process June 2021. Collection method: clinical testing. Allele origin: germline. Affected: yes.
Comment: Not observed at significant frequency in large population cohorts (gnomAD); In silico analysis supports that this missense variant has a deleterious effect on protein structure/function; Has not been previously published as pathogenic or benign to our knowledge

NM_006662.3(SRCAP):c.2756C>T (p.Pro919Leu)

Gene: SRCAP (Snf2 related CREBBP activator protein; plus strand). Cytogenetic location: 16p11.2.
Variant type: single nucleotide variant.
Coding change: c.2756C>T on transcript NM_006662.3 (MANE Select); coding-DNA position 2756, C replaced by T.
Protein change: p.Pro919Leu; replaces proline 919 with leucine.
Molecular consequence: missense variant.
Genome position (GRCh38, 1-based): chr16:30,716,418, C>T. VCF-style: chr16-30716418-C-T. GRCh37 (hg19) VCF-style: chr16-30727739-C-T.
Other names: short protein forms P919L.
Identifiers: ClinVar variation 4686479 (VCV004686479.1).